The following is an entry in ClinVar:

NM_000988.5(RPL27):c.67G>T (p.Ala23Ser)

Genes: RPL27 (ribosomal protein L27; plus strand), LOC126862570 (CDK7 strongly-dependent group 2 enhancer GRCh37_chr17:41149993-41151192; plus strand). Cytogenetic location: 17q21.31.
Variant type: single nucleotide variant.
Coding change: c.67G>T on transcript NM_000988.5 (MANE Select); coding-DNA position 67, G replaced by T.
Protein change: p.Ala23Ser; replaces alanine 23 with serine.
Molecular consequence: missense variant. On other transcripts: non-coding transcript variant (1).
Genome position (GRCh38, 1-based): chr17:42,998,817, G>T. VCF-style: chr17-42998817-G-T. GRCh37 (hg19) VCF-style: chr17-41150834-G-T.
Other names: c.67G>T, p.Ala23Ser (NM_001349921.2, NM_001349922.2); short protein forms A23S.
Identifiers: ClinVar variation 2632200 (VCV002632200.2), dbSNP rs749989076, ClinGen allele CA8588892.
Genomic context (GRCh38, chr17:42,998,817, plus strand): 5'-AAGTTCATGAAACCTGGGAAGGTGGTGCTTGTCCTGGCTGGACGCTACTCCGGACGCAAA[G>T]CTGTCATCGTGAAGGTATCAGCCTCGCGGGACTCTGCGTCCTTGCATGCCGGGACCAGGC-3'
Protein context (NP_000979.1, residues 13-33): VLAGRYSGRK[Ala23Ser]VIVKNIDDGT

ClinVar aggregate classification (germline): Uncertain significance (1 of 4 stars; one submission).

Conditions:
RPL27-related disorder. Also called: RPL27-related condition.

Submission:

PreventionGenetics, part of Exact Sciences
Classification: Uncertain significance for RPL27-related condition. Last evaluated: 2025-01-06. Review status: criteria provided, single submitter. Criteria: ACMG Guidelines, 2015. Collection method: clinical testing. Allele origin: germline.
Comment: The RPL27 c.67G>T variant is predicted to result in the amino acid substitution p.Ala23Ser. To our knowledge, this variant has not been reported in the literature. This variant is reported in 0.0029% of alleles in individuals of Latino descent in gnomAD. At this time, the clinical significance of this variant is uncertain due to the absence of conclusive functional and genetic evidence.